The following is an entry in ClinVar:

ClinVar aggregate classification (germline): Uncertain significance. Review status: criteria provided, multiple submitters, no conflicts (2 of 4 stars). 2 submissions from 2 submitters: Uncertain significance (2). Last evaluated 2025-01-06.

Conditions:
Cone-rod dystrophy 15 (CORD15). Identifiers: MedGen C3150912, MONDO:0013348, OMIM 613660.

Allele frequency attached by ClinVar (database versions not stated): ExAC 0.00002; gnomAD exomes 0.00001; TOPMed 0.00001.
gnomAD v4.1: 8 of 1,613,954 alleles (0.0005%); highest among the groups gnomAD compares: Admixed American, 0.0033%; no homozygotes.

Submissions (2):

Labcorp Genetics (formerly Invitae), Labcorp
Classification: Uncertain significance. Last evaluated: 2025-01-06. Review status: criteria provided, single submitter. Criteria: Invitae Variant Classification Sherloc (09022015). Collection method: clinical testing. Allele origin: germline.
Comment: This sequence change replaces phenylalanine, which is neutral and non-polar, with serine, which is neutral and polar, at codon 353 of the CDHR1 protein (p.Phe353Ser). This variant is present in population databases (rs771316043, gnomAD 0.006%). This variant has not been reported in the literature in individuals affected with CDHR1-related conditions. ClinVar contains an entry for this variant (Variation ID: 835998). Invitae Evidence Modeling of protein sequence and biophysical properties (such as structural, functional, and spatial information, amino acid conservation, physicochemical variation, residue mobility, and thermodynamic stability) indicates that this missense variant is expected to disrupt CDHR1 protein function with a positive predictive value of 80%. In summary, the available evidence is currently insufficient to determine the role of this variant in disease. Therefore, it has been classified as a Variant of Uncertain Significance.

DBGen Ocular Genomics
Classification: Uncertain significance for Cone-rod dystrophy 15. Last evaluated: 2021-06-01. Review status: criteria provided, single submitter. Criteria: ACMG Guidelines, 2015. Collection method: clinical testing. Allele origin: germline. Affected: yes. Observed: 1 variant allele.

NM_033100.4(CDHR1):c.1058T>C (p.Phe353Ser)

Gene: CDHR1 (cadherin related family member 1; plus strand). Cytogenetic location: 10q23.1.
Variant type: single nucleotide variant.
Coding change: c.1058T>C on transcript NM_033100.4 (MANE Select); coding-DNA position 1058, T replaced by C.
Protein change: p.Phe353Ser; replaces phenylalanine 353 with serine.
Molecular consequence: missense variant.
Genome position (GRCh38, 1-based): chr10:84,208,268, T>C. VCF-style: chr10-84208268-T-C. GRCh37 (hg19) VCF-style: chr10-85968024-T-C.
Other names: c.1058T>C, p.Phe353Ser (NM_001171971.3); short protein forms F353S.
Identifiers: ClinVar variation 835998 (VCV000835998.8), dbSNP rs771316043, ClinGen allele CA5579823.